The following is an entry in ClinVar:

NM_020433.5(JPH2):c.2021C>T (p.Thr674Ile)

Gene: JPH2 (junctophilin 2; minus strand). Cytogenetic location: 20q13.12.
Variant type: single nucleotide variant.
Coding change: c.2021C>T on transcript NM_020433.5 (MANE Select); coding-DNA position 2021, C replaced by T.
Protein change: p.Thr674Ile; replaces threonine 674 with isoleucine.
Molecular consequence: missense variant.
Genome position (GRCh38, 1-based): chr20:44,114,866, G>A on the plus strand (C>T on the coding strand, the complement: JPH2 is on the minus strand). VCF-style: chr20-44114866-G-A. GRCh37 (hg19) VCF-style: chr20-42743506-G-A.
Other names: short protein forms T674I.
Identifiers: ClinVar variation 1992135 (VCV001992135.6), dbSNP rs1405034470, ClinGen allele CA409099456.

ClinVar aggregate classification (germline): Uncertain significance. Review status: criteria provided, multiple submitters, no conflicts (2 of 4 stars). 2 submissions from 2 submitters: Uncertain significance (2). Last evaluated 2023-02-06.

Conditions:
Cardiovascular phenotype. Identifiers: MedGen CN230736.
Hypertrophic cardiomyopathy. Also called: HYPERTROPHIC MYOCARDIOPATHY. Identifiers: Orphanet 217569, MedGen C0007194, MeSH D002312, MONDO:0005045, HP:0001639.

Allele frequency attached by ClinVar (database versions not stated): gnomAD exomes below 0.00001; TOPMed below 0.00001; gnomAD 0.00001.
gnomAD v4.1: 6 of 1,603,526 alleles (0.00037%); highest among the groups gnomAD compares: Non-Finnish European, 0.00051%; no homozygotes.

Submissions (2):

Ambry Genetics
Classification: Uncertain significance for Cardiovascular phenotype. Last evaluated: 2023-02-06. Review status: criteria provided, single submitter. Criteria: Ambry Variant Classification Scheme 2023. Collection method: clinical testing. Allele origin: germline.

Labcorp Genetics (formerly Invitae), Labcorp
Classification: Uncertain significance for Hypertrophic cardiomyopathy. Last evaluated: 2022-03-11. Review status: criteria provided, single submitter. Criteria: Invitae Variant Classification Sherloc (09022015). Collection method: clinical testing. Allele origin: germline.
Comment: In summary, the available evidence is currently insufficient to determine the role of this variant in disease. Therefore, it has been classified as a Variant of Uncertain Significance. Algorithms developed to predict the effect of missense changes on protein structure and function are either unavailable or do not agree on the potential impact of this missense change (SIFT: "Deleterious"; PolyPhen-2: "Probably Damaging"; Align-GVGD: "Class C0"). This variant has not been reported in the literature in individuals affected with JPH2-related conditions. The frequency data for this variant in the population databases is considered unreliable, as metrics indicate poor data quality at this position in the gnomAD database. This sequence change replaces threonine, which is neutral and polar, with isoleucine, which is neutral and non-polar, at codon 674 of the JPH2 protein (p.Thr674Ile).